The following is an entry in ClinVar:

ClinVar aggregate classification (germline): Pathogenic (1 of 4 stars; one submission).

Conditions:
EPILEPSY, CHILDHOOD ABSENCE, SUSCEPTIBILITY TO, 2 (ECA2). Identifiers: Orphanet 64280, MedGen C1843244, OMIM 607681.
Febrile seizures, familial, 8 (FEB8). Also called: CONVULSIONS, FAMILIAL FEBRILE, 8. Identifiers: Orphanet 36387, MedGen C1969810, MONDO:0011891, OMIM 607681.

Submission:

Labcorp Genetics (formerly Invitae), Labcorp
Classification: Pathogenic for Febrile seizures, familial, 8; EPILEPSY, CHILDHOOD ABSENCE, SUSCEPTIBILITY TO, 2. Last evaluated: 2017-10-22. Review status: criteria provided, single submitter. Criteria: Invitae Variant Classification Sherloc (09022015). Collection method: clinical testing. Allele origin: germline.
Comment: This sequence change creates a premature translational stop signal (p.Ser226*) in the GABRG2 gene. It is expected to result in an absent or disrupted protein product. This variant is not present in population databases (ExAC no frequency). For these reasons, this variant has been classified as Pathogenic. Loss-of-function variants in GABRG2 are known to be pathogenic (PMID: 22539854, 22750526, 23720301, 24407264). This variant has not been reported in the literature in individuals with GABRG2-related disease.

Literature cited by the submitters: PubMed 22539854; PubMed 22750526; PubMed 23720301; PubMed 24407264.

NM_198904.4(GABRG2):c.677_681del (p.Ser225_Ser226insTer)

Gene: GABRG2 (gamma-aminobutyric acid type A receptor subunit gamma2; plus strand). Cytogenetic location: 5q34.
Variant type: Deletion.
Coding change: c.677_681del on transcript NM_198904.4 (MANE Select); coding-DNA positions 677 to 681, 5 bases deleted (CTGTT; older notation c.677_681delCTGTT).
Protein change: p.Ser225_Ser226insTer.
Molecular consequence: nonsense.
Genome position (GRCh38, 1-based): chr5:162,103,934-162,103,938, CTGTT deleted; deleting any 5 consecutive bases within chr5:162,103,931-162,103,938 gives the same sequence; the c. name uses the placement nearest the transcript's 3' end. VCF-style (leftmost placement, unchanged base first): chr5-162103930-AGTTCT-A. GRCh37 (hg19) VCF-style: chr5-161530936-AGTTCT-A.
Other names: c.677_681del, p.Ser225_Ser226insTer (NM_000816.3, NM_001375340.1, NM_001375341.1 and 2 more transcripts); c.668_672del, p.Ser222_Ser223insTer (NM_001375339.1); c.797_801del, p.Ser265_Ser266insTer (NM_001375343.1, NM_198903.2); c.611_615del, p.Ser203_Ser204insTer (NM_001375345.1, NM_001375346.1); c.590_594del, p.Ser196_Ser197insTer (NM_001375347.1); c.257_261del, p.Ser85_Ser86insTer (NM_001375348.1, NM_001375350.1); c.392_396del, p.Ser130_Ser131insTer (NM_001375349.1); c.677_681delCTGTT (NM_000816.3).
Identifiers: ClinVar variation 536744 (VCV000536744.7), dbSNP rs1554098222, ClinGen allele CA658796679.